The following is an entry in ClinVar:

ClinVar aggregate classification (germline): Uncertain significance (1 of 4 stars; one submission).

Conditions:
Atrioventricular septal defect 5 (AVSD5). Identifiers: MedGen C3280939, MONDO:0013769, OMIM 614474.

gnomAD v4.1: 2 of 1,225,562 alleles (0.00016%); highest among the groups gnomAD compares: Admixed American, 0.0043%; no homozygotes.

Submission:

Labcorp Genetics (formerly Invitae), Labcorp
Classification: Uncertain significance for Atrioventricular septal defect 5. Last evaluated: 2022-05-03. Review status: criteria provided, single submitter. Criteria: Invitae Variant Classification Sherloc (09022015). Collection method: clinical testing. Allele origin: germline.
Comment: In summary, the available evidence is currently insufficient to determine the role of this variant in disease. Therefore, it has been classified as a Variant of Uncertain Significance. Algorithms developed to predict the effect of missense changes on protein structure and function output the following: SIFT: "Tolerated"; PolyPhen-2: "Benign"; Align-GVGD: "Class C0". The threonine amino acid residue is found in multiple mammalian species, which suggests that this missense change does not adversely affect protein function. This variant has not been reported in the literature in individuals affected with GATA6-related conditions. This variant is not present in population databases (gnomAD no frequency). This sequence change replaces alanine, which is neutral and non-polar, with threonine, which is neutral and polar, at codon 283 of the GATA6 protein (p.Ala283Thr).

NM_005257.6(GATA6):c.847G>A (p.Ala283Thr)

Gene: GATA6 (GATA binding protein 6; plus strand). Cytogenetic location: 18q11.2.
Variant type: single nucleotide variant.
Coding change: c.847G>A on transcript NM_005257.6 (MANE Select); coding-DNA position 847, G replaced by A.
Protein change: p.Ala283Thr; replaces alanine 283 with threonine.
Molecular consequence: missense variant.
Genome position (GRCh38, 1-based): chr18:22,171,991, G>A. VCF-style: chr18-22171991-G-A. GRCh37 (hg19) VCF-style: chr18-19751952-G-A.
Other names: short protein forms A283T.
Identifiers: ClinVar variation 1936021 (VCV001936021.5), dbSNP rs2510626365, ClinGen allele CA401801088.